The following is an entry in ClinVar:

ClinVar aggregate classification (germline): Pathogenic (1 of 4 stars; one submission).

Conditions:
Microcephalic primordial dwarfism, Alazami type. Also called: Alazami syndrome; FACIAL DYSMORPHISM, INTELLECTUAL DISABILITY, AND PRIMORDIAL DWARFISM. Identifiers: Orphanet 319671, MedGen C3554439, MONDO:0014031, OMIM 615071.

Submission:

Women's Health and Genetics/Laboratory Corporation of America, LabCorp
Classification: Pathogenic for Microcephalic primordial dwarfism, Alazami type. Last evaluated: 2025-05-05. Review status: criteria provided, single submitter. Criteria: LabCorp Variant Classification Summary - May 2015. Collection method: clinical testing. Allele origin: germline.
Comment: Variant summary: LARP7 c.501dupA (p.Phe168IlefsX7) results in a premature termination codon, predicted to cause a truncation of the encoded protein or absence of the protein due to nonsense mediated decay, which are commonly known mechanisms for disease. The variant was absent in 246574 control chromosomes. To our knowledge, no occurrence of c.501dupA in individuals affected with Microcephalic Primordial Dwarfism, Alazami Type and no experimental evidence demonstrating its impact on protein function have been reported. No submitters have cited clinical-significance assessments for this variant to ClinVar. Based on the evidence outlined above, the variant was classified as pathogenic.

NM_016648.4(LARP7):c.501dup (p.Phe168fs)

Genes: LARP7 (La ribonucleoprotein 7, transcriptional regulator; plus strand), MIR302CHG (miR-302/367 cluster host gene; minus strand). Cytogenetic location: 4q25.
Variant type: Duplication.
Coding change: c.501dup on transcript NM_016648.4 (MANE Select); coding-DNA position 501, one base duplicated (A; older notation c.501dupA).
Protein change: p.Phe168fs; shifts the reading frame from phenylalanine 168.
Molecular consequence: frameshift variant. On other transcripts: non-coding transcript variant (3).
Genome position (GRCh38, 1-based): chr4:112,646,904, A duplicated. VCF-style (leftmost placement, unchanged base first): chr4-112646903-G-GA. GRCh37 (hg19) VCF-style: chr4-113568059-G-GA.
Other names: c.501dup, p.Phe168fs (NM_001267039.4, NM_001370974.1, NM_001370975.1 and 6 more transcripts); c.264dup, p.Phe89fs (NM_001370981.1, NM_001370982.1); c.501dupA (NM_016648.4); short protein forms F168fs, F89fs.
Identifiers: ClinVar variation 3902532 (VCV003902532.1).
Genomic context (GRCh38, chr4:112,646,903, plus strand): 5'-AATGTGGCAATGTTGTTTATATAAGTATACCACATTATAAGTCTACTGGAGATCCAAAGG[G>GA]ATTTGCGTTTGTGGAATTTGAAACAAAAGAACAAGCAGCAAAAGCAATTGAGGTAAGTCC-3'